The following is an entry in ClinVar:

ClinVar aggregate classification (germline): Uncertain significance. Review status: criteria provided, multiple submitters, no conflicts (2 of 4 stars). 2 submissions from 2 submitters: Uncertain significance (2). Last evaluated 2025-01-23.

Conditions:
Bardet-Biedl syndrome (BBS). Identifiers: Orphanet 110, MedGen C0752166, MONDO:0015229.
BBS10-related disorder. Also called: BBS10-related condition.

Submissions (2):

PreventionGenetics, part of Exact Sciences
Classification: Uncertain significance for BBS10-related condition. Last evaluated: 2025-01-23. Review status: criteria provided, single submitter. Criteria: ACMG Guidelines, 2015. Collection method: clinical testing. Allele origin: germline.
Comment: The BBS10 c.973G>A variant is predicted to result in the amino acid substitution p.Val325Met. To our knowledge, this variant has not been reported in the literature or in a large population database (gnomAD), indicating this variant is rare. At this time, the clinical significance of this variant is uncertain due to the absence of conclusive functional and genetic evidence.

Labcorp Genetics (formerly Invitae), Labcorp
Classification: Uncertain significance for Bardet-Biedl syndrome. Last evaluated: 2024-05-30. Review status: criteria provided, single submitter. Criteria: Invitae Variant Classification Sherloc (09022015). Collection method: clinical testing. Allele origin: germline.
Comment: This sequence change replaces valine, which is neutral and non-polar, with methionine, which is neutral and non-polar, at codon 325 of the BBS10 protein (p.Val325Met). This variant is not present in population databases (gnomAD no frequency). This variant has not been reported in the literature in individuals affected with BBS10-related conditions. Advanced modeling of protein sequence and biophysical properties (such as structural, functional, and spatial information, amino acid conservation, physicochemical variation, residue mobility, and thermodynamic stability) performed at Invitae indicates that this missense variant is not expected to disrupt BBS10 protein function with a negative predictive value of 80%. In summary, the available evidence is currently insufficient to determine the role of this variant in disease. Therefore, it has been classified as a Variant of Uncertain Significance.

NM_024685.4(BBS10):c.973G>A (p.Val325Met)

Gene: BBS10 (Bardet-Biedl syndrome 10; minus strand). Cytogenetic location: 12q21.2.
Variant type: single nucleotide variant.
Coding change: c.973G>A on transcript NM_024685.4 (MANE Select); coding-DNA position 973, G replaced by A.
Protein change: p.Val325Met; replaces valine 325 with methionine.
Molecular consequence: missense variant.
Genome position (GRCh38, 1-based): chr12:76,347,012, C>T on the plus strand (G>A on the coding strand, the complement: BBS10 is on the minus strand). VCF-style: chr12-76347012-C-T. GRCh37 (hg19) VCF-style: chr12-76740792-C-T.
Other names: c.973G>A (NM_024685.3); short protein forms V325M.
Identifiers: ClinVar variation 3684806 (VCV003684806.3).